The following is an entry in ClinVar:

ClinVar aggregate classification (germline): Conflicting classifications of pathogenicity. Review status: criteria provided, conflicting classifications (1 of 4 stars). 2 submissions from 2 submitters: Uncertain significance (1); Likely benign (1). Last evaluated 2026-01-30.

Conditions:
RPGR-related disorder. Also called: RPGR-related condition.
Primary ciliary dyskinesia. Also called: Ciliary dyskinesia. Identifiers: Orphanet 244, MedGen C0008780, MONDO:0016575, HP:0012265.

Submissions (2):

PreventionGenetics, part of Exact Sciences
Classification: Likely benign for RPGR-related condition. Last evaluated: 2026-01-30. Review status: criteria provided, single submitter. Criteria: ACMG Guidelines, 2015. Collection method: clinical testing. Allele origin: germline.
Comment: This variant is classified as likely benign based on ACMG/AMP sequence variant interpretation guidelines (Richards et al. 2015 PMID: 25741868, with internal and published modifications).

Labcorp Genetics (formerly Invitae), Labcorp
Classification: Uncertain significance for Primary ciliary dyskinesia. Last evaluated: 2024-03-26. Review status: criteria provided, single submitter. Criteria: Invitae Variant Classification Sherloc (09022015). Collection method: clinical testing. Allele origin: germline.
Comment: This variant, c.2840_2841ins42, results in the insertion of 14 amino acid(s) of the RPGR (ORF15) protein (p.Glu949_Glu950ins14), but otherwise preserves the integrity of the reading frame. The frequency data for this variant in the population databases is considered unreliable, as metrics indicate insufficient coverage at this position in the gnomAD database. This variant has not been reported in the literature in individuals affected with RPGR (ORF15)-related conditions. Experimental studies and prediction algorithms are not available or were not evaluated, and the functional significance of this variant is currently unknown. In summary, the available evidence is currently insufficient to determine the role of this variant in disease. Therefore, it has been classified as a Variant of Uncertain Significance.

NM_001034853.2(RPGR):c.2820AGGGGAGGATGGAGAAGGGGA[3] (p.Glu949_Glu950insAspGlyGluGlyGluGlyGluAspGlyGluGlyGluGlyGlu)

Gene: RPGR (retinitis pigmentosa GTPase regulator; minus strand). Cytogenetic location: Xp11.4.
Variant type: Microsatellite.
Coding change: c.2820AGGGGAGGATGGAGAAGGGGA[3] on transcript NM_001034853.2 (MANE Select); three copies in a row of the 21-base unit AGGGGAGGATGGAGAAGGGGA starting at c.2820.
Protein change: p.Glu949_Glu950insAspGlyGluGlyGluGlyGluAspGlyGluGlyGluGlyGlu.
Molecular consequence: inframe insertion. On other transcripts: intron variant (8).
Genome position: GRCh38, VCF-style position (the base before the change): chrX:38,286,158. GRCh37 (hg19), VCF-style position (the base before the change): chrX:38,145,411.
Other names: c.1569+4800_1569+4801insGGAGAAGGGGAAGGGGAGGATGGAGAAGGGGAAGGGGAGGAT (NM_001367249.1, NM_001367250.1); c.1902+935_1902+936insGGAGAAGGGGAAGGGGAGGATGGAGAAGGGGAAGGGGAGGAT (NM_001367245.1); c.1386+4800_1386+4801insGGAGAAGGGGAAGGGGAGGATGGAGAAGGGGAAGGGGAGGAT (NM_001367251.1); c.1719+935_1719+936insGGAGAAGGGGAAGGGGAGGATGGAGAAGGGGAAGGGGAGGAT (NM_001367246.1); c.1572+4800_1572+4801insGGAGAAGGGGAAGGGGAGGATGGAGAAGGGGAAGGGGAGGAT (NM_001367247.1); c.1905+935_1905+936insGGAGAAGGGGAAGGGGAGGATGGAGAAGGGGAAGGGGAGGAT (NM_000328.3); c.1602+4800_1602+4801insGGAGAAGGGGAAGGGGAGGATGGAGAAGGGGAAGGGGAGGAT (NM_001367248.1); c.2840_2841insAGGGGAGGATGGAGAAGGGGAAGGGGAGGATGGAGAAGGGGA (NM_001034853.1).
Identifiers: ClinVar variation 2130138 (VCV002130138.5), dbSNP rs764268405, ClinGen allele CA2580616977.